The following is an entry in ClinVar:

ClinVar aggregate classification (germline): Uncertain significance (1 of 4 stars; one submission).

Conditions:
Hereditary cancer-predisposing syndrome. Also called: Hereditary neoplastic syndrome; Neoplastic Syndromes, Hereditary; Tumor predisposition; Hereditary Cancer Syndrome. Identifiers: Orphanet 140162, MedGen C0027672, MeSH D009386, MONDO:0015356.

Submission:

Ambry Genetics
Classification: Uncertain significance for Hereditary cancer-predisposing syndrome. Last evaluated: 2025-08-27. Review status: criteria provided, single submitter. Criteria: Ambry Variant Classification Scheme 2023. Collection method: clinical testing. Allele origin: germline.
Comment: The p.T207S variant (also known as c.620C>G), located in coding exon 8 of the MUTYH gene, results from a C to G substitution at nucleotide position 620. The threonine at codon 207 is replaced by serine, an amino acid with similar properties. This amino acid position is conserved. In addition, this alteration is predicted to be tolerated by in silico analysis. Based on the available evidence, the clinical significance of this variant remains unclear.

NM_001048174.2(MUTYH):c.536C>G (p.Thr179Ser)

Gene: MUTYH (mutY DNA glycosylase; minus strand). Cytogenetic location: 1p34.1.
Variant type: single nucleotide variant.
Coding change: c.536C>G on transcript NM_001048174.2 (MANE Select); coding-DNA position 536, C replaced by G.
Protein change: p.Thr179Ser; replaces threonine 179 with serine.
Molecular consequence: missense variant. On other transcripts: non-coding transcript variant (7).
Genome position (GRCh38, 1-based): chr1:45,332,644, G>C on the plus strand (C>G on the coding strand, the complement: MUTYH is on the minus strand). VCF-style: chr1-45332644-G-C. GRCh37 (hg19) VCF-style: chr1-45798316-G-C.
Other names: c.581C>G, p.Thr194Ser (NM_001293190.2); c.260C>G, p.Thr87Ser (NM_001293192.2, NM_001293196.2, NM_001407091.1); c.536C>G, p.Thr179Ser (NM_001293195.2, NM_001048171.2, NM_001048173.2 and 6 more transcripts); c.191C>G, p.Thr64Ser (NM_001350651.2, NM_001350650.2, NM_001407082.1); c.569C>G, p.Thr190Ser (NM_001293191.2, NM_001407077.1, NM_001407069.1); c.539C>G, p.Thr180Ser (NM_001048172.2, NM_001407071.1, NM_001407078.1 and 1 more transcripts); c.620C>G, p.Thr207Ser (NM_001128425.2); c.452C>G, p.Thr151Ser (NM_001407075.1); and 5 more; short protein forms T186S, T193S, T204S, T166S, T190S, T194S, T64S, T151S.
Identifiers: ClinVar variation 4113767 (VCV004113767.1).